The following is an entry in ClinVar:

NM_004859.4(CLTC):c.4357C>T (p.Arg1453Cys)

Genes: CLTC (clathrin heavy chain; plus strand), LOC126862609 (CDK7 strongly-dependent group 2 enhancer GRCh37_chr17:57760547-57761746; plus strand). Cytogenetic location: 17q23.1.
Variant type: single nucleotide variant.
Coding change: c.4357C>T on transcript NM_004859.4 (MANE Select); coding-DNA position 4357, C replaced by T.
Protein change: p.Arg1453Cys; replaces arginine 1453 with cysteine.
Molecular consequence: missense variant.
Genome position (GRCh38, 1-based): chr17:59,683,908, C>T. VCF-style: chr17-59683908-C-T. GRCh37 (hg19) VCF-style: chr17-57761269-C-T.
Other names: c.4369C>T, p.Arg1457Cys (NM_001288653.2); short protein forms R1453C, R1457C.
Identifiers: ClinVar variation 2755596 (VCV002755596.3), dbSNP rs2033126019, ClinGen allele CA400421441.
Genomic context (GRCh38, chr17:59,683,908, plus strand): 5'-ATTTGTAACAAACTCTTTATTTTAAAGGTTAAACAGCTACCACTGGTGAAACCGTATTTG[C>T]GTTCAGTTCAGAACCATAACAACAAATCTGTGAATGAATCATTGAACAATCTTTTTATTA-3'
Protein context (NP_004850.1, residues 1443-1463): KQLPLVKPYL[Arg1453Cys]SVQNHNNKSV

ClinVar aggregate classification (germline): Uncertain significance (1 of 4 stars; one submission).

Allele frequency attached by ClinVar (database versions not stated): gnomAD 0.00001; gnomAD exomes 0.00001.
gnomAD v4.1: 6 of 1,613,432 alleles (0.00037%); highest among the groups gnomAD compares: Admixed American, 0.0017%; no homozygotes.

Submission:

Labcorp Genetics (formerly Invitae), Labcorp
Classification: Uncertain significance. Last evaluated: 2023-08-27. Review status: criteria provided, single submitter. Criteria: Invitae Variant Classification Sherloc (09022015). Collection method: clinical testing. Allele origin: germline.
Comment: Advanced modeling of protein sequence and biophysical properties (such as structural, functional, and spatial information, amino acid conservation, physicochemical variation, residue mobility, and thermodynamic stability) performed at Invitae indicates that this missense variant is not expected to disrupt CLTC protein function. This variant has not been reported in the literature in individuals affected with CLTC-related conditions. This variant is not present in population databases (gnomAD no frequency). This sequence change replaces arginine, which is basic and polar, with cysteine, which is neutral and slightly polar, at codon 1457 of the CLTC protein (p.Arg1457Cys). In summary, the available evidence is currently insufficient to determine the role of this variant in disease. Therefore, it has been classified as a Variant of Uncertain Significance.